The following is an entry in ClinVar:

NM_032043.3(BRIP1):c.1480T>C (p.Phe494Leu)

Gene: BRIP1 (BRCA1 interacting DNA helicase 1; minus strand). Cytogenetic location: 17q23.2.
Variant type: single nucleotide variant.
Coding change: c.1480T>C on transcript NM_032043.3 (MANE Select); coding-DNA position 1480, T replaced by C.
Protein change: p.Phe494Leu; replaces phenylalanine 494 with leucine.
Molecular consequence: missense variant.
Genome position (GRCh38, 1-based): chr17:61,784,418, A>G on the plus strand (T>C on the coding strand, the complement: BRIP1 is on the minus strand). VCF-style: chr17-61784418-A-G. GRCh37 (hg19) VCF-style: chr17-59861779-A-G.
Other names: short protein forms F494L.
Identifiers: ClinVar variation 1714164 (VCV001714164.5), dbSNP rs2145141905, ClinGen allele CA400481759.

ClinVar aggregate classification (germline): Uncertain significance (1 of 4 stars; one submission).

Conditions:
Familial cancer of breast. Also called: BREAST CANCER, FAMILIAL; Hereditary breast cancer; hereditary breast carcinoma. Identifiers: Orphanet 227535, MedGen C0346153, MONDO:0016419, OMIM 114480. Disease mechanism: loss of function.
Fanconi anemia complementation group J. Also called: BRIP1-Related Fanconi Anemia. Identifiers: Orphanet 84, MedGen C1836860, MONDO:0012187, OMIM 609054.

Submission:

Labcorp Genetics (formerly Invitae), Labcorp
Classification: Uncertain significance for Familial cancer of breast; Fanconi anemia complementation group J. Last evaluated: 2022-08-07. Review status: criteria provided, single submitter. Criteria: Invitae Variant Classification Sherloc (09022015). Collection method: clinical testing. Allele origin: germline.
Comment: Algorithms developed to predict the effect of missense changes on protein structure and function output the following: SIFT: "Tolerated"; PolyPhen-2: "Benign"; Align-GVGD: "Class C0". The leucine amino acid residue is found in multiple mammalian species, which suggests that this missense change does not adversely affect protein function. This variant has not been reported in the literature in individuals affected with BRIP1-related conditions. In summary, the available evidence is currently insufficient to determine the role of this variant in disease. Therefore, it has been classified as a Variant of Uncertain Significance. This sequence change replaces phenylalanine, which is neutral and non-polar, with leucine, which is neutral and non-polar, at codon 494 of the BRIP1 protein (p.Phe494Leu). This variant is not present in population databases (gnomAD no frequency).